The following is an entry in ClinVar:

NM_020919.4(ALS2):c.1054_1061del (p.Leu352fs)

Gene: ALS2 (alsin Rho guanine nucleotide exchange factor ALS2; minus strand). Cytogenetic location: 2q33.1.
Variant type: Deletion.
Coding change: c.1054_1061del on transcript NM_020919.4 (MANE Select); coding-DNA positions 1054 to 1061, 8 bases deleted (CTGTCAGA; older notation c.1054_1061delCTGTCAGA).
Protein change: p.Leu352fs; shifts the reading frame from leucine 352.
Molecular consequence: frameshift variant.
Genome position (GRCh38, 1-based): chr2:201,760,933-201,760,940, TCTGACAG deleted on the plus strand (CTGTCAGA on the coding strand, the reverse complement: ALS2 is on the minus strand); deleting any 8 consecutive bases within chr2:201,760,933-201,760,941 gives the same sequence; the c. name uses the placement nearest the transcript's 3' end. VCF-style (leftmost placement, unchanged base first): chr2-201760932-ATCTGACAG-A. GRCh37 (hg19) VCF-style: chr2-202625655-ATCTGACAG-A.
Other names: c.1054_1061del, p.Leu352fs (NM_001135745.2); c.1054_1061delCTGTCAGA (NM_020919.4); short protein forms L352fs.
Identifiers: ClinVar variation 800527 (VCV000800527.2), dbSNP rs1574786170, ClinGen allele CA658795324.

ClinVar aggregate classification (germline): Pathogenic/Likely pathogenic. Review status: criteria provided, multiple submitters, no conflicts (2 of 4 stars). 2 submissions from 2 submitters: Pathogenic (1); Likely pathogenic (1). Last evaluated 2018-11-15.

Conditions:
Infantile-onset ascending hereditary spastic paralysis (IAHSP). Also called: Infantile-Onset Ascending Hereditary Spastic Paralysis (IAHSP); Autosomal Recessive Juvenile Amyotrophic Lateral Sclerosis. Identifiers: Orphanet 293168, MedGen C2931441, MONDO:0011797, OMIM 607225. Disease mechanism: loss of function.

Submissions (2):

Broad Center for Mendelian Genomics, Broad Institute of MIT and Harvard
Classification: Likely pathogenic for Infantile-onset ascending hereditary spastic paralysis. Last evaluated: 2018-11-15. Review status: criteria provided, single submitter. Criteria: ACMG Guidelines, 2015. Collection method: research. Allele origin: germline. Inheritance: Autosomal recessive inheritance. Affected: yes.
Comment: This variant was absent from large population studies. This variant is predicted to cause a frameshift, which alters the protein's amino acid sequence beginning at position 352 and leads to a premature termination codon 11 amino acids downstream. This alteration is then predicted to lead to a truncated or absent protein. Loss of function of the ALS2 gene is an established disease mechanism in autosomal recessive Infantile-Onset Spastic Paraplegia, and this is a loss of function variant. In summary, although additional studies are required to fully establish its clinical significance, this variant is likely pathogenic.

Medical Molecular Genetics Department, National Research Center
Classification: Pathogenic for Infantile-onset ascending hereditary spastic paralysis. Review status: criteria provided, single submitter. Criteria: ACMG Guidelines, 2015. Collection method: clinical testing. Allele origin: inherited. Affected: yes.